The following is an entry in ClinVar:

ClinVar aggregate classification (germline): Uncertain significance (1 of 4 stars; one submission).

Conditions:
Inborn genetic diseases. Identifiers: MedGen C0950123, MeSH D030342.

Submission:

Ambry Genetics
Classification: Uncertain significance for Inborn genetic diseases. Last evaluated: 2026-03-23. Review status: criteria provided, single submitter. Criteria: Ambry Variant Classification Scheme 2023. Collection method: clinical testing. Allele origin: germline.
Comment: The p.D777G variant (also known as c.2330A>G), located in coding exon 18 of the BUB1B gene, results from an A to G substitution at nucleotide position 2330. The aspartic acid at codon 777 is replaced by glycine, an amino acid with similar properties. This amino acid position is conserved. In addition, this alteration is predicted to be tolerated by in silico analysis. Based on the available evidence, the clinical significance of this variant remains unclear.

NM_001211.6(BUB1B):c.2330A>G (p.Asp777Gly)

Gene: BUB1B (BUB1 mitotic checkpoint serine/threonine kinase B; plus strand). Cytogenetic location: 15q15.1.
Variant type: single nucleotide variant.
Coding change: c.2330A>G on transcript NM_001211.6 (MANE Select); coding-DNA position 2330, A replaced by G.
Protein change: p.Asp777Gly; replaces aspartic acid 777 with glycine.
Molecular consequence: missense variant.
Genome position (GRCh38, 1-based): chr15:40,210,155, A>G. VCF-style: chr15-40210155-A-G. GRCh37 (hg19) VCF-style: chr15-40502356-A-G.
Other names: short protein forms D777G.
Identifiers: ClinVar variation 4867984 (VCV004867984.1).